The following is an entry in ClinVar:

NM_005732.4(RAD50):c.1706A>T (p.Tyr569Phe)

Gene: RAD50 (RAD50 double strand break repair protein; plus strand). Cytogenetic location: 5q31.1.
Variant type: single nucleotide variant.
Coding change: c.1706A>T on transcript NM_005732.4 (MANE Select); coding-DNA position 1706, A replaced by T.
Protein change: p.Tyr569Phe; replaces tyrosine 569 with phenylalanine.
Molecular consequence: missense variant.
Genome position (GRCh38, 1-based): chr5:132,591,947, A>T. VCF-style: chr5-132591947-A-T. GRCh37 (hg19) VCF-style: chr5-131927639-A-T.
Other names: short protein forms Y569F.
Identifiers: ClinVar variation 2053119 (VCV002053119.4), dbSNP rs876659148, ClinGen allele CA360946471.

ClinVar aggregate classification (germline): Uncertain significance (1 of 4 stars; one submission).

Conditions:
Hereditary cancer-predisposing syndrome. Also called: Hereditary neoplastic syndrome; Neoplastic Syndromes, Hereditary; Tumor predisposition; Hereditary Cancer Syndrome. Identifiers: Orphanet 140162, MedGen C0027672, MeSH D009386, MONDO:0015356.

Submission:

Labcorp Genetics (formerly Invitae), Labcorp
Classification: Uncertain significance for Hereditary cancer-predisposing syndrome. Last evaluated: 2022-09-07. Review status: criteria provided, single submitter. Criteria: Invitae Variant Classification Sherloc (09022015). Collection method: clinical testing. Allele origin: germline.
Comment: In summary, the available evidence is currently insufficient to determine the role of this variant in disease. Therefore, it has been classified as a Variant of Uncertain Significance. Algorithms developed to predict the effect of missense changes on protein structure and function (SIFT, PolyPhen-2, Align-GVGD) all suggest that this variant is likely to be tolerated. This variant has not been reported in the literature in individuals affected with RAD50-related conditions. This variant is not present in population databases (gnomAD no frequency). This sequence change replaces tyrosine, which is neutral and polar, with phenylalanine, which is neutral and non-polar, at codon 569 of the RAD50 protein (p.Tyr569Phe).